The following is an entry in ClinVar:

NM_002291.3(LAMB1):c.1736G>A (p.Arg579Gln)

Gene: LAMB1 (laminin subunit beta 1; minus strand). Cytogenetic location: 7q31.1.
Variant type: single nucleotide variant.
Coding change: c.1736G>A on transcript NM_002291.3 (MANE Select); coding-DNA position 1736, G replaced by A.
Protein change: p.Arg579Gln; replaces arginine 579 with glutamine.
Molecular consequence: missense variant.
Genome position (GRCh38, 1-based): chr7:107,963,026, C>T on the plus strand (G>A on the coding strand, the complement: LAMB1 is on the minus strand). VCF-style: chr7-107963026-C-T. GRCh37 (hg19) VCF-style: chr7-107603471-C-T.
Other names: short protein forms R579Q.
Identifiers: ClinVar variation 435725 (VCV000435725.21), dbSNP rs115518856, ClinGen allele CA4435897.

ClinVar aggregate classification (germline): Conflicting classifications of pathogenicity. Review status: criteria provided, conflicting classifications (1 of 4 stars). 6 submissions from 6 submitters: Uncertain significance (1); Likely benign (4). 1 of the submissions does not count toward it. Last evaluated 2026-01-27.

Conditions:
LAMB1-related disorder. Also called: LAMB1-related condition.
Inborn genetic diseases. Identifiers: MedGen C0950123, MeSH D030342.

Allele frequency attached by ClinVar (database versions not stated): gnomAD exomes 0.00037; ExAC 0.00049; gnomAD 0.00119 and 0.00126; ESP Exome Variant Server 0.00138; 1000 Genomes Project 0.00160; TOPMed 0.00172; 1000 Genomes Project 30x 0.00203.
gnomAD v4.1: 392 of 1,613,952 alleles (0.024%); highest among the groups gnomAD compares: African/African-American, 0.42%; 2 homozygotes.

Submissions (6):

Labcorp Genetics (formerly Invitae), Labcorp
Classification: Likely benign. Last evaluated: 2026-01-27. Review status: criteria provided, single submitter. Criteria: Invitae Variant Classification Sherloc (09022015). Collection method: clinical testing. Allele origin: germline.

Ambry Genetics
Classification: Likely benign for Inborn genetic diseases. Last evaluated: 2024-03-25. Review status: criteria provided, single submitter. Criteria: Ambry Variant Classification Scheme 2023. Collection method: clinical testing. Allele origin: germline.

Blueprint Genetics
Classification: Likely benign. Last evaluated: 2023-11-20. Review status: criteria provided, single submitter. Criteria: ACMG Guidelines, 2015. Collection method: clinical testing. Allele origin: germline.

GeneDx
Classification: Likely benign. Last evaluated: 2021-03-31. Review status: criteria provided, single submitter. Criteria: GeneDx Variant Classification Process June 2021. Collection method: clinical testing. Allele origin: germline. Affected: yes.

Genetic Services Laboratory, University of Chicago
Classification: Uncertain significance. Last evaluated: 2017-02-14. Review status: criteria provided, single submitter. Criteria: ACMG Guidelines, 2015. Collection method: clinical testing. Allele origin: germline. Affected: no.

PreventionGenetics, part of Exact Sciences
Classification: Likely benign for LAMB1-related condition. Last evaluated: 2020-07-14. Review status: no assertion criteria provided. Collection method: clinical testing. Allele origin: germline. Not counted in ClinVar's aggregate classification.
Comment: This variant is classified as likely benign based on ACMG/AMP sequence variant interpretation guidelines (Richards et al. 2015 PMID: 25741868, with internal and published modifications).